The following is an entry in ClinVar:

NM_138713.4(NFAT5):c.1691-2A>T

Gene: NFAT5 (nuclear factor of activated T cells 5; plus strand). Cytogenetic location: 16q22.1.
Variant type: single nucleotide variant.
Coding change: c.1691-2A>T on transcript NM_138713.4 (MANE Select); the canonical splice acceptor site of the intron before coding-DNA position 1691, A replaced by T.
Molecular consequence: splice acceptor variant. On other transcripts: intron variant (2).
Genome position (GRCh38, 1-based): chr16:69,684,885, A>T. VCF-style: chr16-69684885-A-T. GRCh37 (hg19) VCF-style: chr16-69718788-A-T.
Other names: c.1409-2A>T (NM_138714.4, NM_173214.3, NM_173215.3); c.1691-5A>T (NM_001113178.3); c.1637-2A>T (NM_006599.4); c.1019-5A>T (NM_001367709.1).
Identifiers: ClinVar variation 1427787 (VCV001427787.9), dbSNP rs374351352, ClinGen allele CA8135623.

ClinVar aggregate classification (germline): Uncertain significance (1 of 4 stars; one submission).

Conditions:
Immunodeficiency. Identifiers: MedGen C0021051, MONDO:0021094, HP:0002721.

Allele frequency attached by ClinVar (database versions not stated): ExAC 0.00001; gnomAD 0.00001; TOPMed 0.00001; gnomAD exomes 0.00002; ESP Exome Variant Server 0.00008; 1000 Genomes Project 30x 0.00016; 1000 Genomes Project 0.00020.
gnomAD v4.1: 33 of 1,593,576 alleles (0.0021%); highest among the groups gnomAD compares: Non-Finnish European, 0.0027%; no homozygotes.

Submission:

Labcorp Genetics (formerly Invitae), Labcorp
Classification: Uncertain significance for Immunodeficiency. Last evaluated: 2025-10-08. Review status: criteria provided, single submitter. Criteria: Invitae Variant Classification Sherloc (09022015). Collection method: clinical testing. Allele origin: germline.
Comment: This sequence change affects an acceptor splice site in intron 11 of the NFAT5 gene. It is expected to disrupt RNA splicing. Variants that disrupt the donor or acceptor splice site typically lead to a loss of protein function (PMID: 16199547), however the current clinical and genetic evidence is not sufficient to establish whether loss-of-function variants in NFAT5 cause disease. The frequency data for this variant in the population databases is considered unreliable, as metrics indicate poor data quality at this position in the gnomAD database. This variant has not been reported in the literature in individuals affected with NFAT5-related conditions. ClinVar contains an entry for this variant (Variation ID: 1427787). Algorithms developed to predict the effect of sequence changes on RNA splicing suggest that this variant may disrupt the consensus splice site. In summary, the available evidence is currently insufficient to determine the role of this variant in disease. Therefore, it has been classified as a Variant of Uncertain Significance.

Literature cited by the submitters: PubMed 16199547.